The following is an entry in ClinVar:

ClinVar aggregate classification (germline): Uncertain significance (1 of 4 stars; one submission).

Conditions:
Inborn genetic diseases. Identifiers: MedGen C0950123, MeSH D030342.

Submission:

Ambry Genetics
Classification: Uncertain significance for Inborn genetic diseases. Last evaluated: 2025-02-22. Review status: criteria provided, single submitter. Criteria: Ambry Variant Classification Scheme 2023. Collection method: clinical testing. Allele origin: germline.
Comment: The p.T1103A variant (also known as c.3307A>G), located in coding exon 31 of the RTEL1 gene, results from an A to G substitution at nucleotide position 3307. The threonine at codon 1103 is replaced by alanine, an amino acid with similar properties. This amino acid position is conserved. In addition, the in silico prediction for this alteration is inconclusive. Based on the available evidence, the clinical significance of this variant remains unclear.

NM_001283009.2(RTEL1):c.3307A>G (p.Thr1103Ala)

Genes: RTEL1 (regulator of telomere elongation helicase 1; plus strand), RTEL1-TNFRSF6B (RTEL1-TNFRSF6B readthrough (NMD candidate); plus strand). Cytogenetic location: 20q13.33.
Variant type: single nucleotide variant.
Coding change: c.3307A>G on transcript NM_001283009.2 (MANE Select); coding-DNA position 3307, A replaced by G.
Protein change: p.Thr1103Ala; replaces threonine 1103 with alanine.
Molecular consequence: missense variant. On other transcripts: non-coding transcript variant (1).
Genome position (GRCh38, 1-based): chr20:63,694,938, A>G. VCF-style: chr20-63694938-A-G. GRCh37 (hg19) VCF-style: chr20-62326291-A-G.
Other names: c.2638A>G, p.Thr880Ala (NM_001283010.1); c.3307A>G, p.Thr1103Ala (NM_016434.4); c.3379A>G, p.Thr1127Ala (NM_032957.5); short protein forms T1103A, T1127A, T880A.
Identifiers: ClinVar variation 3791170 (VCV003791170.1).